The following is an entry in ClinVar:

ClinVar aggregate classification (germline): Pathogenic/Likely pathogenic. Review status: criteria provided, multiple submitters, no conflicts (2 of 4 stars). 9 submissions from 9 submitters: Pathogenic (3); Likely pathogenic (4). 2 of the submissions do not count toward it. Last evaluated 2026-07-21.

Conditions:
PCCA-related disorder. Also called: PCCA-related condition.
Propionic acidemia (PROP). Also called: GLYCINEMIA, KETOTIC; HYPERGLYCINEMIA WITH KETOACIDOSIS AND LEUKOPENIA; KETOTIC HYPERGLYCINEMIA. Identifiers: Orphanet 35, MedGen C0268579, MONDO:0011628, OMIM 606054, HP:0003571.

Allele frequency attached by ClinVar (database versions not stated): TOPMed 0.00004; gnomAD 0.00001; 1000 Genomes Project 30x 0.00016; 1000 Genomes Project 0.00020.
gnomAD v4.1: 20 of 1,571,086 alleles (0.0013%); highest among the groups gnomAD compares: South Asian, 0.012%; no homozygotes.

Submissions (9):

Department of Molecular Genetics, Istishari Arab Hospital
Classification: Pathogenic for Propionic acidemia. Last evaluated: 2026-07-21. Review status: criteria provided, single submitter. Criteria: ACMG Guidelines, 2015. Collection method: clinical testing. Allele origin: germline. Inheritance: Autosomal recessive inheritance. Affected: yes.
Comment: The PCCA variant c.1746G>A, p.Ser582= is a synonymous change in the last nucleotide of exon 19 that is predicted to disrupt the conserved splice site and thus affects normal protein function. This variant is observed with very low frequency in the gnomAD v4.1.0 dataset (<0.001). This variant was previously reported as disease-causing in patients with autosomal recessive propionic acidemia (PMID: 15059621, 17576681, 22033733, 31893529, 9536098). Studies have shown that this variant results in skipping of exon 19 and introduces a premature termination codon (PMID: 15059621). It is classified as pathogenic according to the recommendations of ACMG/AMP/ClinGen SVI guidelines.

Dasa
Classification: Likely pathogenic for Propionic acidemia. Last evaluated: 2025-11-06. Review status: criteria provided, single submitter. Criteria: DASA Assertion Criteria. Collection method: clinical testing. Allele origin: germline.
Comment: NM_000282.4(PCCA):c.1746G>A (p.Ser582=) is a synonymous variant predicted not to alter the encoded amino acid sequence. This variant has been recurrently observed in individuals with PCCA-related disorders (PMID: 31893529; PMID: 15059621). Also, this variant is rare in population databases. Computational evidence supports a deleterious effect. Based on the currently available evidence, this variant is classified as likely pathogenic.

Natera, Inc.
Classification: Likely pathogenic for Propionic acidemia. Last evaluated: 2025-08-11. Review status: criteria provided, single submitter. Criteria: Natera Variant Classification Schema (03/2026). Collection method: clinical testing. Allele origin: germline.
Comment: The c.1746G>A variant in PCCA is a synonymous variant that does not alter the encoded amino acid at position 582 (p.S582=). This variant is rare in the general population with a frequency below the threshold expected for the associated phenotype(s). This variant has been observed in one or more individuals affected with the associated recessive disease, as either homozygous or compound heterozygous with a second variant (PMID: 22033733, 15059621). Functional studies show that this variant may disrupt protein function (PMID: 15059621). Computational prediction algorithms indicate this variant is likely to affect gene or protein function. Given the available evidence, this variant is classified as Likely Pathogenic.

3billion
Classification: Likely pathogenic for Propionic acidemia. Last evaluated: 2024-11-27. Review status: criteria provided, single submitter. Criteria: ACMG Guidelines, 2015. Collection method: clinical testing. Allele origin: germline. Affected: yes.
Comment: The variant is observed at an extremely low frequency in the gnomAD v4.1.0 dataset (total allele frequency: 0.001%). Predicted Consequence/Location: Synonymous variant Functional studies provide supporting evidence of the variant having a damaging effect on the gene or gene product (PMID: 15059621). In silico tools predict the variant to alter splicing and produce an abnormal transcript [SpliceAI: 0.47 (>=0.2, moderate evidence for spliceogenicity)]. The variant has been reported at least twice as pathogenic without evidence for the classification (ClinVar ID: VCV000556480 /PMID: 15059621, 22033733). Therefore, this variant is classified as Likely pathogenic according to the recommendation of ACMG/AMP guideline.

Labcorp Genetics (formerly Invitae), Labcorp
Classification: Pathogenic for Propionic acidemia. Last evaluated: 2024-04-03. Review status: criteria provided, single submitter. Criteria: Invitae Variant Classification Sherloc (09022015). Collection method: clinical testing. Allele origin: germline.
Comment: This sequence change affects codon 582 of the PCCA mRNA. It is a 'silent' change, meaning that it does not change the encoded amino acid sequence of the PCCA protein. RNA analysis indicates that this variant induces altered splicing and may result in an absent or disrupted protein product. This variant is present in population databases (rs192171304, gnomAD 0.01%). This variant has been observed in individual(s) with propionic acidemia (PMID: 15059621, 22033733). ClinVar contains an entry for this variant (Variation ID: 556480). Variants that disrupt the consensus splice site are a relatively common cause of aberrant splicing (PMID: 17576681, 9536098). Studies have shown that this variant results in skipping of exon 19 and introduces a premature termination codon (PMID: 15059621). The resulting mRNA is expected to undergo nonsense-mediated decay. This variant disrupts the c.1746G nucleotide in the PCCA gene. Other variant(s) that disrupt this nucleotide have been determined to be pathogenic (PMID: 31893529). This suggests that this nucleotide is clinically significant, and that variants that disrupt this position are likely to be disease-causing. For these reasons, this variant has been classified as Pathogenic.

Baylor Genetics
Classification: Likely pathogenic for Propionic acidemia. Last evaluated: 2023-12-14. Review status: criteria provided, single submitter. Criteria: ACMG Guidelines, 2015. Collection method: clinical testing. Allele origin: unknown.

Women's Health and Genetics/Laboratory Corporation of America, LabCorp
Classification: Pathogenic for Propionic acidemia. Last evaluated: 2019-01-21. Review status: criteria provided, single submitter. Criteria: LabCorp Variant Classification Summary - May 2015. Collection method: clinical testing. Allele origin: germline.
Comment: Variant summary: PCCA c.1746G>A (p.Ser582Ser) alters a non-conserved nucleotide located close to a canonical splice site and therefore could affect mRNA splicing, leading to a significantly altered protein sequence. Several computational tools predict a significant impact on normal splicing: One predict the variant abolishes a 5' splicing donor site. Four predict the variant weakens a 5' donor site. These predictions are supported by a functional study that reported an impact on mRNA splicing (Yang_2004). The variant allele was found at a frequency of 1.6e-05 in 245876 control chromosomes . c.1746G>A has been reported in the literature in a homozygote and compound heterozygote individuals affected with Propionic Acidemia (Yang_2004, Kraus_2012). The homozygote individual was found to have less than 10% PCC activity (Kraus_2012). These data indicate that the variant may be associated with disease. A ClinVar submission from a clinical diagnostic laboratory (evaluation after 2014) cites the variant as uncertain significance. Based on the evidence outlined above, the variant was classified as pathogenic.

PreventionGenetics, part of Exact Sciences
Classification: Likely pathogenic for PCCA-related condition. Last evaluated: 2024-02-19. Review status: no assertion criteria provided. Collection method: clinical testing. Allele origin: germline. Not counted in ClinVar's aggregate classification.
Comment: The PCCA c.1746G>A variant is not predicted to result in an amino acid change (p.=). However, this variant is predicted to decrease the strength of a nearby canonical splice donor and may affect splicing (SpliceAI, Jaganathan et al. 2019. PubMed ID: 30661751). This variant was reported along with a frameshift variant in an individual with propionic acidemia, and RNA analysis indicated that this variant results in skipping of exon 19 (Yang et al. 2004. PubMed ID: 15059621). This variant is reported in 0.013% of alleles in individuals of South Asian descent in gnomAD. In ClinVar, this variant has conflicting interpretations including uncertain, likely pathogenic, and pathogenic. We interpret this variant to be likely pathogenic.

Counsyl
Classification: Uncertain significance for Propionic acidemia. Last evaluated: 2018-01-31. Review status: no assertion criteria provided. Collection method: clinical testing. Allele origin: unknown. Not counted in ClinVar's aggregate classification.

Literature cited by the submitters: PubMed 15059621 (cited by 7 submitters); PubMed 17576681 (cited by Department of Molecular Genetics, Istishari Arab Hospital and Labcorp Genetics (formerly Invitae), Labcorp); PubMed 22033733 (cited by 5 submitters); PubMed 31893529 (cited by 3 submitters); PubMed 9536098 (cited by Department of Molecular Genetics, Istishari Arab Hospital and Labcorp Genetics (formerly Invitae), Labcorp).

NM_000282.4(PCCA):c.1746G>A (p.Ser582=)

Gene: PCCA (propionyl-CoA carboxylase subunit alpha; plus strand). Cytogenetic location: 13q32.3.
Variant type: single nucleotide variant.
Coding change: c.1746G>A on transcript NM_000282.4 (MANE Select); coding-DNA position 1746, G replaced by A.
Protein change: p.Ser582=; no amino-acid change (serine 582 retained).
Molecular consequence: synonymous variant. On other transcripts: non-coding transcript variant (2).
Genome position (GRCh38, 1-based): chr13:100,368,574, G>A. VCF-style: chr13-100368574-G-A. GRCh37 (hg19) VCF-style: chr13-101020828-G-A.
Other names: p.Ser582=; c.1668G>A, p.Ser556= (NM_001127692.3, NM_001352607.2); c.1746G>A, p.Ser582= (NM_001178004.2, NM_001352605.2, NM_001352609.2); c.1602G>A, p.Ser534= (NM_001352606.2); c.1524G>A, p.Ser508= (NM_001352608.2); c.801G>A, p.Ser267= (NM_001352610.2, NM_001352611.2); c.657G>A, p.Ser219= (NM_001352612.2).
Identifiers: ClinVar variation 556480 (VCV000556480.19), dbSNP rs192171304, ClinGen allele CA7033757.